The following is an entry in ClinVar:

ClinVar aggregate classification (germline): Uncertain significance (1 of 4 stars; one submission).

Conditions:
Genitopatellar syndrome (GTPTS). Also called: ABSENT PATELLAE, SCROTAL HYPOPLASIA, RENAL ANOMALIES, FACIAL DYSMORPHISM, AND MENTAL RETARDATION; Genitopatellar syndrome (GPS). Identifiers: Orphanet 85201, MedGen C1853566, MONDO:0011640, OMIM 606170.

Submission:

Labcorp Genetics (formerly Invitae), Labcorp
Classification: Uncertain significance for Genitopatellar syndrome. Last evaluated: 2024-06-09. Review status: criteria provided, single submitter. Criteria: Invitae Variant Classification Sherloc (09022015). Collection method: clinical testing. Allele origin: germline.
Comment: This sequence change replaces histidine, which is basic and polar, with aspartic acid, which is acidic and polar, at codon 586 of the KAT6B protein (p.His586Asp). This variant is not present in population databases (gnomAD no frequency). This variant has not been reported in the literature in individuals affected with KAT6B-related conditions. An algorithm developed to predict the effect of missense changes on protein structure and function (PolyPhen-2) suggests that this variant is likely to be tolerated. In summary, the available evidence is currently insufficient to determine the role of this variant in disease. Therefore, it has been classified as a Variant of Uncertain Significance.

NM_012330.4(KAT6B):c.1756C>G (p.His586Asp)

Gene: KAT6B (lysine acetyltransferase 6B; plus strand). Cytogenetic location: 10q22.2.
Variant type: single nucleotide variant.
Coding change: c.1756C>G on transcript NM_012330.4 (MANE Select); coding-DNA position 1756, C replaced by G.
Protein change: p.His586Asp; replaces histidine 586 with aspartic acid.
Molecular consequence: missense variant. On other transcripts: intron variant (13).
Genome position (GRCh38, 1-based): chr10:74,976,093, C>G. VCF-style: chr10-74976093-C-G. GRCh37 (hg19) VCF-style: chr10-76735851-C-G.
Other names: c.1756C>G, p.His586Asp (NM_001370136.1, NM_001370137.1); c.1117+639C>G (NM_001370139.1, NM_001370140.1, NM_001370141.1 and 3 more transcripts); c.1444+312C>G (NM_001370138.1, NM_001256468.2); c.846+6318C>G (NM_001370133.1); c.193-3131C>G (NM_001370134.1); c.929-1223C>G (NM_001370143.1, NM_001370144.1); c.193-12926C>G (NM_001370135.1); short protein forms H586D.
Identifiers: ClinVar variation 2977204 (VCV002977204.3), dbSNP rs2548956212, ClinGen allele CA377288120.